The following is an entry in ClinVar:

ClinVar aggregate classification (germline): Uncertain significance (1 of 4 stars; one submission).

Conditions:
Congenital primary aphakia. Also called: ANTERIOR SEGMENT DYSGENESIS 2; Anterior segment dysgenesis 2, multiple subtypes. Identifiers: Orphanet 83461, MedGen C1853230, MONDO:0012456, OMIM 610256.
Anterior segment dysgenesis. Also called: Ocular anterior segment dysgenesis. Identifiers: Orphanet 88632, MedGen C1862839, MONDO:0019503, HP:0007700.

gnomAD v4.1: 2 of 1,383,728 alleles (0.00014%); highest among the groups gnomAD compares: South Asian, 0.0015%; no homozygotes.

Submission:

Labcorp Genetics (formerly Invitae), Labcorp
Classification: Uncertain significance for Anterior segment dysgenesis; Congenital primary aphakia. Last evaluated: 2022-09-21. Review status: criteria provided, single submitter. Criteria: Invitae Variant Classification Sherloc (09022015). Collection method: clinical testing. Allele origin: germline.
Comment: This variant is not present in population databases (gnomAD no frequency). In summary, the available evidence is currently insufficient to determine the role of this variant in disease. Therefore, it has been classified as a Variant of Uncertain Significance. Algorithms developed to predict the effect of missense changes on protein structure and function are either unavailable or do not agree on the potential impact of this missense change (SIFT: "Deleterious"; PolyPhen-2: "Benign"; Align-GVGD: "Class C0"). This variant has not been reported in the literature in individuals affected with FOXE3-related conditions. This sequence change replaces phenylalanine, which is neutral and non-polar, with leucine, which is neutral and non-polar, at codon 13 of the FOXE3 protein (p.Phe13Leu).

NM_012186.3(FOXE3):c.39C>A (p.Phe13Leu)

Genes: FOXE3 (forkhead box E3; plus strand), LINC01389 (long independently transcribed non-coding RNA 1389; minus strand). Cytogenetic location: 1p33.
Variant type: single nucleotide variant.
Coding change: c.39C>A on transcript NM_012186.3 (MANE Select); coding-DNA position 39, C replaced by A.
Protein change: p.Phe13Leu; replaces phenylalanine 13 with leucine.
Molecular consequence: missense variant.
Genome position (GRCh38, 1-based): chr1:47,416,354, C>A. VCF-style: chr1-47416354-C-A. GRCh37 (hg19) VCF-style: chr1-47882026-C-A.
Other names: short protein forms F13L.
Identifiers: ClinVar variation 1719974 (VCV001719974.6), dbSNP rs1350653181, ClinGen allele CA340248912.
Genomic context (GRCh38, chr1:47,416,354, plus strand): 5'-CGGGCAGGGGCTGCCGCAGCCGATGGCGGGGCGCAGCGACATGGATCCGCCCGCCGCGTT[C>A]TCTGGCTTCCCTGCCCTGCCAGCGGTCGCGCCGTCGGGGCCGCCGCCGTCGCCGCTCGCA-3'
Protein context (NP_036318.1, residues 3-23): GRSDMDPPAA[Phe13Leu]SGFPALPAVA